The following is an entry in ClinVar:

NM_001142864.4(PIEZO1):c.3373C>T (p.Gln1125Ter)

Gene: PIEZO1 (piezo type mechanosensitive ion channel component 1 (Er blood group); minus strand). Cytogenetic location: 16q24.3.
Variant type: single nucleotide variant.
Coding change: c.3373C>T on transcript NM_001142864.4 (MANE Select); coding-DNA position 3373, C replaced by T.
Protein change: p.Gln1125Ter; replaces glutamine 1125 with a stop codon.
Molecular consequence: nonsense.
Genome position (GRCh38, 1-based): chr16:88,727,121, G>A on the plus strand (C>T on the coding strand, the complement: PIEZO1 is on the minus strand). VCF-style: chr16-88727121-G-A. GRCh37 (hg19) VCF-style: chr16-88793529-G-A.
Other names: p.Gln1125*; c.1915C>T, p.Gln639Ter (NM_014745.1); c.3373C>T (NM_001142864.2); short protein forms Q1125*, Q639*.
Identifiers: ClinVar variation 2637245 (VCV002637245.8), dbSNP rs1027603469, ClinGen allele CA286413963.

ClinVar aggregate classification (germline): Pathogenic. Review status: criteria provided, multiple submitters, no conflicts (2 of 4 stars). 5 submissions from 5 submitters: Pathogenic (5). Last evaluated 2026-08-07.

Conditions:
PIEZO1-related disorder. Also called: PIEZO1-related condition; PIEZO1-Related Disorders.
Dehydrated hereditary stomatocytosis with or without pseudohyperkalemia and/or perinatal edema (DHS1). Also called: Dehydrated hereditary stomatocytosis 1 with or without pseudohyperkalemia and/or perinatal edema; PSEUDOHYPERKALEMIA EDINBURGH; DEHYDRATED HEREDITARY STOMATOCYTOSIS AND PSEUDOHYPERKALEMIA; DEHYDRATED HEREDITARY STOMATOCYTOSIS WITH PSEUDOHYPERKALEMIA AND PERINATAL EDEMA; Pseudohyperkalemia, familial, 1, due to red cell leak. Identifiers: Orphanet 3202, MedGen C4551512, MONDO:0008689, OMIM 194380.
Lymphatic malformation 6 (LMPHM6). Also called: GENERALIZED LYMPHATIC DYSPLASIA OF FOTIOU; Lymphedema, hereditary, III; PIEZO1-related generalized lymphatic dysplasia with non-immune hydrops fetalis. Identifiers: Orphanet 568062, MedGen C4225184, MONDO:0014797, OMIM 616843.

Allele frequency attached by ClinVar (database versions not stated): gnomAD exomes below 0.00001; TOPMed below 0.00001.

Submissions (5):

GeneDx
Classification: Pathogenic. Last evaluated: 2026-08-07. Review status: criteria provided, single submitter. Criteria: GeneDx Variant Classification Process June 2021. Collection method: clinical testing. Allele origin: germline.
Comment: Nonsense variant predicted to result in protein truncation or nonsense mediated decay in a gene for which loss of function is a known mechanism of disease; Not observed at significant frequency in large population cohorts (gnomAD); This variant is associated with the following publications: (PMID: 40628291, 34656527, 35861738)

Clinical Genomics Laboratory, Washington University in St. Louis
Classification: Pathogenic for Lymphatic malformation 6; Dehydrated hereditary stomatocytosis with or without pseudohyperkalemia and/or perinatal edema. Last evaluated: 2026-02-04. Review status: criteria provided, single submitter. Criteria: ACMG Guidelines, 2015. Collection method: clinical testing. Allele origin: germline. Affected: yes.
Comment: A PIEZO1 c.3373C>T (p.Gln1125*) variant was identified at a heterozygous allelic fraction of 49.9%, a frequency which may be consistent with germline origin. This variant has been reported in the literature in several members of a family with congenital lymphedema, who also had a second pathogenic variant in PIEZO1 (Mustacich DJ et al., PMID: 34656527). The PIEZO1 c.3373C>T (p.Gln1125*) variant has also been reported in the ClinVar database as a germline pathogenic variant by four submitters (ClinVar Variation ID: 2637245 ). It is only observed on 1/1,550,000 alleles in the general population (gnomAD v4.1.0), indicating it is not a common variant. This variant leads to to a premature termination codon, which is predicted to lead to nonsense mediated decay. Based on the available information and the ACMG/AMP guidelines for variant interpretation (Richards S et al., PMID: 25741868), this variant is classified as pathogenic.

PreventionGenetics, part of Exact Sciences
Classification: Pathogenic for PIEZO1-related condition. Last evaluated: 2025-08-16. Review status: criteria provided, single submitter. Criteria: ACMG Guidelines, 2015. Collection method: clinical testing. Allele origin: germline.
Comment: The PIEZO1 c.3373C>T variant is predicted to result in premature protein termination (p.Gln1125*). This variant has been reported in multiple individuals with clinical features of autosomal recessive PIEZO1-related conditions (Mustacich et al. 2022. PubMed ID: 34656527). This variant has not been reported in a large population database (gnomAD), indicating this variant is rare. Nonsense variants in PIEZO1 are expected to be pathogenic. This variant is interpreted as pathogenic.

Mayo Clinic Laboratories, Mayo Clinic
Classification: Pathogenic. Last evaluated: 2025-01-14. Review status: criteria provided, single submitter. Criteria: ACMG Guidelines, 2015. Collection method: clinical testing. Allele origin: germline. Observed: 1 variant allele.
Comment: PP1_moderate, PM2_supporting, PVS1

Labcorp Genetics (formerly Invitae), Labcorp
Classification: Pathogenic. Last evaluated: 2023-02-22. Review status: criteria provided, single submitter. Criteria: Invitae Variant Classification Sherloc (09022015). Collection method: clinical testing. Allele origin: germline.
Comment: This sequence change creates a premature translational stop signal (p.Gln1125*) in the PIEZO1 gene. It is expected to result in an absent or disrupted protein product. Loss-of-function variants in PIEZO1 are known to be pathogenic (PMID: 26333996). This variant is not present in population databases (gnomAD no frequency). This premature translational stop signal has been observed in individual(s) with clinical features of autosomal recessive PIEZO1-related conditions (PMID: 34656527). For these reasons, this variant has been classified as Pathogenic.

Literature cited by the submitters: uncertain (cited by Clinical Genomics Laboratory, Washington University in St. Louis); PubMed 34656527 (cited by Mayo Clinic Laboratories, Mayo Clinic and Labcorp Genetics (formerly Invitae), Labcorp); PubMed 26333996 (cited by Labcorp Genetics (formerly Invitae), Labcorp).